The following is an entry in ClinVar:

NM_005458.8(GABBR2):c.2743G>T (p.Val915Phe)

Gene: GABBR2 (gamma-aminobutyric acid type B receptor subunit 2; minus strand). Cytogenetic location: 9q22.33.
Variant type: single nucleotide variant.
Coding change: c.2743G>T on transcript NM_005458.8 (MANE Select); coding-DNA position 2743, G replaced by T.
Protein change: p.Val915Phe; replaces valine 915 with phenylalanine.
Molecular consequence: missense variant.
Genome position (GRCh38, 1-based): chr9:98,290,667, C>A on the plus strand (G>T on the coding strand, the complement: GABBR2 is on the minus strand). VCF-style: chr9-98290667-C-A. GRCh37 (hg19) VCF-style: chr9-101052949-C-A.
Other names: short protein forms V915F.
Identifiers: ClinVar variation 521596 (VCV000521596.6), dbSNP rs1554687394, ClinGen allele CA374209523.
Genomic context (GRCh38, chr9:98,290,667, plus strand): 5'-GGAAGGAGGGTGGCACATGTCTGTGGCGGGGGCTGGCGGTGGGGCTGACGCAGGGGCTGA[C>A]ACAGCTGGCGTCCACGCCTCCGATGGATGGGAGGTAGGCGTGGTGGAGGATGGGGAGCTG-3'
Protein context (NP_005449.5, residues 905-925): PSIGGVDASC[Val915Phe]SPCVSPTASP

ClinVar aggregate classification (germline): Uncertain significance. Review status: criteria provided, multiple submitters, no conflicts (2 of 4 stars). 2 submissions from 2 submitters: Uncertain significance (2). Last evaluated 2024-02-22.

Conditions:
Epileptic encephalopathy. Identifiers: MedGen C0543888, HP:0200134.
Inborn genetic diseases. Identifiers: MedGen C0950123, MeSH D030342.

gnomAD v4.1: 2 of 1,476,344 alleles (0.00014%); highest among the groups gnomAD compares: Non-Finnish European, 0.00018%; no homozygotes.

Submissions (2):

Labcorp Genetics (formerly Invitae), Labcorp
Classification: Uncertain significance for Epileptic encephalopathy. Last evaluated: 2024-02-22. Review status: criteria provided, single submitter. Criteria: Invitae Variant Classification Sherloc (09022015). Collection method: clinical testing. Allele origin: germline.
Comment: This sequence change replaces valine, which is neutral and non-polar, with phenylalanine, which is neutral and non-polar, at codon 915 of the GABBR2 protein (p.Val915Phe). This variant is not present in population databases (gnomAD no frequency). This variant has not been reported in the literature in individuals affected with GABBR2-related conditions. ClinVar contains an entry for this variant (Variation ID: 521596). An algorithm developed to predict the effect of missense changes on protein structure and function (PolyPhen-2) suggests that this variant is likely to be tolerated. In summary, the available evidence is currently insufficient to determine the role of this variant in disease. Therefore, it has been classified as a Variant of Uncertain Significance.

Ambry Genetics
Classification: Uncertain significance for Inborn genetic diseases. Last evaluated: 2017-08-03. Review status: criteria provided, single submitter. Criteria: Ambry exome assertion method (8-5-2015). Collection method: clinical testing. Allele origin: germline. Affected: yes. Observed: 1 variant allele.